The following is an entry in ClinVar:

NM_001386795.1(DTNA):c.322A>G (p.Ile108Val)

Gene: DTNA (dystrobrevin alpha; plus strand). Cytogenetic location: 18q12.1.
Variant type: single nucleotide variant.
Coding change: c.322A>G on transcript NM_001386795.1 (MANE Select); coding-DNA position 322, A replaced by G.
Protein change: p.Ile108Val; replaces isoleucine 108 with valine.
Molecular consequence: missense variant.
Genome position (GRCh38, 1-based): chr18:34,794,210, A>G. VCF-style: chr18-34794210-A-G. GRCh37 (hg19) VCF-style: chr18-32374174-A-G.
Other names: c.322A>G, p.Ile108Val (NM_001128175.2, NM_001198938.2, NM_001198939.2 and 35 more transcripts); short protein forms I108V.
Identifiers: ClinVar variation 1034422 (VCV001034422.8), dbSNP rs1201061306, ClinGen allele CA402275124.

ClinVar aggregate classification (germline): Uncertain significance (1 of 4 stars; one submission).

Conditions:
Left ventricular noncompaction 1 (LVNC1). Also called: LEFT VENTRICULAR NONCOMPACTION 1 WITH OR WITHOUT CONGENITAL HEART DEFECTS. Identifiers: Orphanet 54260, MedGen C1858725, MONDO:0011403, OMIM 604169.

Allele frequency attached by ClinVar (database versions not stated): gnomAD 0.00001; gnomAD exomes 0.00001; TOPMed 0.00002.
gnomAD v4.1: 11 of 1,614,046 alleles (0.00068%); highest among the groups gnomAD compares: African/African-American, 0.0013%; no homozygotes.

Submission:

Labcorp Genetics (formerly Invitae), Labcorp
Classification: Uncertain significance for Left ventricular noncompaction 1. Last evaluated: 2023-04-14. Review status: criteria provided, single submitter. Criteria: Invitae Variant Classification Sherloc (09022015). Collection method: clinical testing. Allele origin: germline.
Comment: Advanced modeling of protein sequence and biophysical properties (such as structural, functional, and spatial information, amino acid conservation, physicochemical variation, residue mobility, and thermodynamic stability) performed at Invitae indicates that this missense variant is not expected to disrupt DTNA protein function. ClinVar contains an entry for this variant (Variation ID: 1034422). This variant has not been reported in the literature in individuals affected with DTNA-related conditions. This variant is not present in population databases (gnomAD no frequency). This sequence change replaces isoleucine, which is neutral and non-polar, with valine, which is neutral and non-polar, at codon 108 of the DTNA protein (p.Ile108Val). In summary, the available evidence is currently insufficient to determine the role of this variant in disease. Therefore, it has been classified as a Variant of Uncertain Significance.